The following is an entry in ClinVar:

NM_000701.8(ATP1A1):c.1940G>T (p.Arg647Leu)

Genes: ATP1A1 (ATPase Na+/K+ transporting subunit alpha 1; plus strand), ATP1A1-AS1 (ATP1A1 antisense RNA 1; minus strand). Cytogenetic location: 1p13.1.
Variant type: single nucleotide variant.
Coding change: c.1940G>T on transcript NM_000701.8 (MANE Select); coding-DNA position 1940, G replaced by T.
Protein change: p.Arg647Leu; replaces arginine 647 with leucine.
Molecular consequence: missense variant.
Genome position (GRCh38, 1-based): chr1:116,396,701, G>T. VCF-style: chr1-116396701-G-T. GRCh37 (hg19) VCF-style: chr1-116939323-G-T.
Other names: c.1940G>T, p.Arg647Leu (NM_001160233.2); c.1847G>T, p.Arg616Leu (NM_001160234.2); short protein forms R616L, R647L.
Identifiers: ClinVar variation 4746703 (VCV004746703.2).

ClinVar aggregate classification (germline): Uncertain significance. Review status: criteria provided, multiple submitters, no conflicts (2 of 4 stars). 2 submissions from 2 submitters: Uncertain significance (2). Last evaluated 2025-03-23.

gnomAD v4.1: 2 of 1,596,226 alleles (0.00013%); highest among the groups gnomAD compares: Non-Finnish European, 0.00017%; no homozygotes.

Submissions (2):

Labcorp Genetics (formerly Invitae), Labcorp
Classification: Uncertain significance. Last evaluated: 2025-03-23. Review status: criteria provided, single submitter. Criteria: Invitae Variant Classification Sherloc (09022015). Collection method: clinical testing. Allele origin: germline.
Comment: This sequence change replaces arginine, which is basic and polar, with leucine, which is neutral and non-polar, at codon 647 of the ATP1A1 protein (p.Arg647Leu). This variant is not present in population databases (gnomAD no frequency). This variant has not been reported in the literature in individuals affected with ATP1A1-related conditions. Invitae Evidence Modeling of protein sequence and biophysical properties (such as structural, functional, and spatial information, amino acid conservation, physicochemical variation, residue mobility, and thermodynamic stability) has been performed for this missense variant. However, the output from this modeling did not meet the statistical confidence thresholds required to predict the impact of this variant on ATP1A1 protein function. In summary, the available evidence is currently insufficient to determine the role of this variant in disease. Therefore, it has been classified as a Variant of Uncertain Significance.

Blueprint Genetics
Classification: Uncertain significance. Last evaluated: 2023-06-14. Review status: criteria provided, single submitter. Criteria: ACMG Guidelines, 2015. Collection method: clinical testing. Allele origin: germline.